The following is an entry in ClinVar:

NM_024809.5(TCTN2):c.1827C>T (p.Asp609=)

Gene: TCTN2 (tectonic family member 2; plus strand). Cytogenetic location: 12q24.31.
Variant type: single nucleotide variant.
Coding change: c.1827C>T on transcript NM_024809.5 (MANE Select); coding-DNA position 1827, C replaced by T.
Protein change: p.Asp609=; no amino-acid change (aspartic acid 609 retained).
Molecular consequence: synonymous variant.
Genome position (GRCh38, 1-based): chr12:123,706,783, C>T. VCF-style: chr12-123706783-C-T. GRCh37 (hg19) VCF-style: chr12-124191330-C-T.
Other names: c.1824C>T, p.Asp608= (NM_001143850.3).
Identifiers: ClinVar variation 697769 (VCV000697769.12), dbSNP rs150634667, ClinGen allele CA6861356.

ClinVar aggregate classification (germline): Likely benign. Review status: criteria provided, multiple submitters, no conflicts (2 of 4 stars). 3 submissions from 3 submitters: Likely benign (3). Last evaluated 2026-08-17.

Conditions:
TCTN2-related disorder. Also called: TCTN2-related disorders; TCTN2-related condition. Identifiers: MedGen CN239412.
Joubert syndrome. Also called: Familial aplasia of the vermis; JOUBERT-BOLTSHAUSER SYNDROME. Identifiers: Orphanet 475, MedGen C5979921, MONDO:0018772.
Meckel-Gruber syndrome. Also called: DYSENCEPHALIA SPLANCHNOCYSTICA; GRUBER SYNDROME; Dysencephalia splachnocystica. Identifiers: Orphanet 564, MedGen C0265215, MONDO:0018921.

Allele frequency attached by ClinVar (database versions not stated): gnomAD 0.00022 and 0.00021; 1000 Genomes Project 30x 0.00031; TOPMed 0.00037; ESP Exome Variant Server 0.00008; gnomAD exomes 0.00009 and 0.00017; ExAC 0.00012; 1000 Genomes Project 0.00020.
gnomAD v4.1: 167 of 1,614,136 alleles (0.01%); highest among the groups gnomAD compares: Admixed American, 0.12%; 1 homozygote.

Submissions (3):

PreventionGenetics, part of Exact Sciences
Classification: Likely benign for TCTN2-related condition. Last evaluated: 2026-08-17. Review status: criteria provided, single submitter. Criteria: ACMG Guidelines, 2015. Collection method: clinical testing. Allele origin: germline.
Comment: This variant is classified as likely benign based on ACMG/AMP sequence variant interpretation guidelines (Richards et al. 2015 PMID: 25741868, with internal and published modifications).

Labcorp Genetics (formerly Invitae), Labcorp
Classification: Likely benign for Joubert syndrome; Meckel-Gruber syndrome. Last evaluated: 2026-01-28. Review status: criteria provided, single submitter. Criteria: Invitae Variant Classification Sherloc (09022015). Collection method: clinical testing. Allele origin: germline.

Blueprint Genetics
Classification: Likely benign. Last evaluated: 2024-10-14. Review status: criteria provided, single submitter. Criteria: ACMG Guidelines, 2015. Collection method: clinical testing. Allele origin: germline.